The following is an entry in ClinVar:

NM_015378.4(VPS13D):c.134A>G (p.Asp45Gly)

Gene: VPS13D (vacuolar protein sorting 13 homolog D; plus strand). Cytogenetic location: 1p36.22.
Variant type: single nucleotide variant.
Coding change: c.134A>G on transcript NM_015378.4 (MANE Select); coding-DNA position 134, A replaced by G.
Protein change: p.Asp45Gly; replaces aspartic acid 45 with glycine.
Molecular consequence: missense variant.
Genome position (GRCh38, 1-based): chr1:12,242,549, A>G. VCF-style: chr1-12242549-A-G. GRCh37 (hg19) VCF-style: chr1-12302606-A-G.
Other names: c.134A>G, p.Asp45Gly (NM_018156.4); c.134A>G (NM_015378.2); short protein forms D45G.
Identifiers: ClinVar variation 1360189 (VCV001360189.7), dbSNP rs769738846, ClinGen allele CA601131.
Genomic context (GRCh38, chr1:12,242,549, plus strand): 5'-TCATGATGCTGTTTTTATTTTTAGGTGCTGTTGAATTAGAAAACTTGCCATTAAAGAAAG[A>G]TGCCTTGAAAGAATTGGAATTACCATTTGAAGTCAAAGCTGGTATGTGGAACTAAAGGAG-3'
Protein context (NP_056193.2, residues 35-55): VELENLPLKK[Asp45Gly]ALKELELPFE

ClinVar aggregate classification (germline): Uncertain significance. Review status: criteria provided, multiple submitters, no conflicts (2 of 4 stars). 2 submissions from 2 submitters: Uncertain significance (2). Last evaluated 2025-11-13.

Conditions:
Inborn genetic diseases. Identifiers: MedGen C0950123, MeSH D030342.

Allele frequency attached by ClinVar (database versions not stated): gnomAD exomes below 0.00001 and 0.00001; ExAC 0.00001; gnomAD 0.00001; TOPMed 0.00001.
gnomAD v4.1: 2 of 1,614,112 alleles (0.00012%); highest among the groups gnomAD compares: East Asian, 0.0022%; no homozygotes.

Submissions (2):

Ambry Genetics
Classification: Uncertain significance for Inborn genetic diseases. Last evaluated: 2025-11-13. Review status: criteria provided, single submitter. Criteria: Ambry Variant Classification Scheme 2023. Collection method: clinical testing. Allele origin: germline.

Labcorp Genetics (formerly Invitae), Labcorp
Classification: Uncertain significance. Last evaluated: 2021-05-19. Review status: criteria provided, single submitter. Criteria: Invitae Variant Classification Sherloc (09022015). Collection method: clinical testing. Allele origin: germline.
Comment: Algorithms developed to predict the effect of missense changes on protein structure and function are either unavailable or do not agree on the potential impact of this missense change (SIFT: "Not Available"; PolyPhen-2: "Probably Damaging"; Align-GVGD: "Not Available"). In summary, the available evidence is currently insufficient to determine the role of this variant in disease. Therefore, it has been classified as a Variant of Uncertain Significance. This variant is present in population databases (rs769738846, ExAC 0.01%). This sequence change replaces aspartic acid with glycine at codon 45 of the VPS13D protein (p.Asp45Gly). The aspartic acid residue is moderately conserved and there is a moderate physicochemical difference between aspartic acid and glycine. This variant has not been reported in the literature in individuals with VPS13D-related conditions.